The following is an entry in ClinVar:

NM_000426.4(LAMA2):c.640-1G>A

Gene: LAMA2 (laminin subunit alpha 2; plus strand). Cytogenetic location: 6q22.33.
Variant type: single nucleotide variant.
Coding change: c.640-1G>A on transcript NM_000426.4 (MANE Select); the canonical splice acceptor site of the intron before coding-DNA position 640, G replaced by A.
Molecular consequence: splice acceptor variant.
Genome position (GRCh38, 1-based): chr6:129,143,900, G>A. VCF-style: chr6-129143900-G-A. GRCh37 (hg19) VCF-style: chr6-129465045-G-A.
Other names: c.640-1G>A (NM_001079823.2).
Identifiers: ClinVar variation 557426 (VCV000557426.6), dbSNP rs1296761337, ClinGen allele CA365605864.

ClinVar aggregate classification (germline): Pathogenic. Review status: criteria provided, single submitter (1 of 4 stars). 2 submissions from 2 submitters: Pathogenic (1). 1 of the submissions does not count toward it. Last evaluated 2021-09-03.

Conditions:
Congenital Muscular Dystrophy, LAMA2-related.
Merosin deficient congenital muscular dystrophy (MDC1A). Also called: Congenital merosin-deficient muscular dystrophy 1A; Congenital Muscular Dystrophy Type 1A (MDC1A). Identifiers: Orphanet 258, MedGen C1263858, MONDO:0011925, OMIM 607855.

Allele frequency attached by ClinVar (database versions not stated): gnomAD 0.00001.
gnomAD v4.1: 1 of 1,585,896 alleles (0.000063%); highest among the groups gnomAD compares: African/African-American, 0.0013%; no homozygotes.

Submissions (2):

Illumina Laboratory Services, Illumina
Classification: Pathogenic. Last evaluated: 2021-09-03. Review status: criteria provided, single submitter. Criteria: ICSLVariantClassificationCriteria RUGD 01 April 2020. Collection method: clinical testing. Allele origin: unknown.
Comment: The LAMA2 c.640-1G>A variant occurs in a canonical splice site (acceptor) and is therefore predicted to disrupt the normal gene product. The c.640-1G>A variant has not been reported in the literature. However, a different nucleotide change at the same position, c.6401-G>C, has been reported in a homozygous state in one affected individual diagnosed with LAMA2-related congenital muscular dystrophy, who presented with scoliosis, contractures, lateral gaze paresis, reduced motor nerve conduction speeds, white matter hyperintensities on brain MRI, and high serum creatine kinase levels (Xiong et al. 2015). The c.640-1G>A variant is reported at a frequency of 0.000115 in the African/African-American population of the Genome Aggregation Database version 2.1.1, but this is based on one allele in a region of good sequence coverage so the variant is presumed to be rare. Based on the available evidence, the c.640-1G>A variant is classified as pathogenic for LAMA2-related congenital muscular dystrophy.

Counsyl
Classification: Likely pathogenic for Merosin deficient congenital muscular dystrophy. Last evaluated: 2018-03-24. Review status: no assertion criteria provided. Collection method: clinical testing. Allele origin: unknown. Not counted in ClinVar's aggregate classification.

Literature cited by the submitters: PubMed 24611677 (cited by Illumina Laboratory Services, Illumina).